The following is an entry in ClinVar:

NM_001458.5(FLNC):c.896C>T (p.Thr299Ile)

Gene: FLNC (filamin C; plus strand). Cytogenetic location: 7q32.1.
Variant type: single nucleotide variant.
Coding change: c.896C>T on transcript NM_001458.5 (MANE Select); coding-DNA position 896, C replaced by T.
Protein change: p.Thr299Ile; replaces threonine 299 with isoleucine.
Molecular consequence: missense variant.
Genome position (GRCh38, 1-based): chr7:128,837,682, C>T. VCF-style: chr7-128837682-C-T. GRCh37 (hg19) VCF-style: chr7-128477736-C-T.
Other names: c.896C>T, p.Thr299Ile (NM_001127487.2); short protein forms T299I.
Identifiers: ClinVar variation 864532 (VCV000864532.15), dbSNP rs774743325, ClinGen allele CA4474160.

ClinVar aggregate classification (germline): Conflicting classifications of pathogenicity. Review status: criteria provided, conflicting classifications (1 of 4 stars). 3 submissions from 3 submitters: Uncertain significance (2); Likely benign (1). Last evaluated 2025-11-28.

Conditions:
Myofibrillar myopathy 5. Also called: Filaminopathy (type); FILAMINOPATHY, AUTOSOMAL DOMINANT. Identifiers: Orphanet 171445, MedGen C1836050, MONDO:0012289, OMIM 609524.
Distal myopathy with posterior leg and anterior hand involvement. Also called: WILLIAMS DISTAL MYOPATHY. Identifiers: Orphanet 63273, MedGen C3279722, MONDO:0013550, OMIM 614065.
Hypertrophic cardiomyopathy 26. Also called: Cardiomyopathy, familial hypertrophic, 26. Identifiers: Orphanet 75249, MedGen C4310749, MONDO:0014883, OMIM 617047.
Cardiovascular phenotype. Identifiers: MedGen CN230736.

Allele frequency attached by ClinVar (database versions not stated): ExAC 0.00001; gnomAD 0.00002; gnomAD exomes 0.00002 and 0.00004; TOPMed 0.00003.
gnomAD v4.1: 56 of 1,611,974 alleles (0.0035%); highest among the groups gnomAD compares: Non-Finnish European, 0.0045%; no homozygotes.

Submissions (3):

Labcorp Genetics (formerly Invitae), Labcorp
Classification: Likely benign for Distal myopathy with posterior leg and anterior hand involvement; Myofibrillar myopathy 5; Hypertrophic cardiomyopathy 26. Last evaluated: 2025-11-28. Review status: criteria provided, single submitter. Criteria: Invitae Variant Classification Sherloc (09022015). Collection method: clinical testing. Allele origin: germline.

GeneDx
Classification: Uncertain significance. Last evaluated: 2025-03-28. Review status: criteria provided, single submitter. Criteria: GeneDx Variant Classification Process June 2021. Collection method: clinical testing. Allele origin: germline. Affected: yes.
Comment: In silico analysis supports that this missense variant has a deleterious effect on protein structure/function; This variant is associated with the following publications: (PMID: 30411535)

Ambry Genetics
Classification: Uncertain significance for Cardiovascular phenotype. Last evaluated: 2024-09-27. Review status: criteria provided, single submitter. Criteria: Ambry Variant Classification Scheme 2023. Collection method: clinical testing. Allele origin: germline.